The following is an entry in ClinVar:

ClinVar aggregate classification (germline): Uncertain significance (1 of 4 stars; one submission).

Conditions:
Inborn genetic diseases. Identifiers: MedGen C0950123, MeSH D030342.

gnomAD v4.1: 1 of 1,614,184 alleles (0.000062%); highest among the groups gnomAD compares: Non-Finnish European, 0.000085%; no homozygotes.

Submission:

Ambry Genetics
Classification: Uncertain significance for Inborn genetic diseases. Last evaluated: 2026-03-15. Review status: criteria provided, single submitter. Criteria: Ambry Variant Classification Scheme 2023. Collection method: clinical testing. Allele origin: germline.
Comment: The p.C1251Y variant (also known as c.3752G>A), located in coding exon 37 of the FANCA gene, results from a G to A substitution at nucleotide position 3752. The cysteine at codon 1251 is replaced by tyrosine, an amino acid with highly dissimilar properties. This amino acid position is conserved. In addition, this alteration is predicted to be tolerated by in silico analysis. Based on the available evidence, the clinical significance of this variant remains unclear.

NM_000135.4(FANCA):c.3752G>A (p.Cys1251Tyr)

Gene: FANCA (FA complementation group A; minus strand). Cytogenetic location: 16q24.3.
Variant type: single nucleotide variant.
Coding change: c.3752G>A on transcript NM_000135.4 (MANE Select); coding-DNA position 3752, G replaced by A.
Protein change: p.Cys1251Tyr; replaces cysteine 1251 with tyrosine.
Molecular consequence: missense variant.
Genome position (GRCh38, 1-based): chr16:89,742,813, C>T on the plus strand (G>A on the coding strand, the complement: FANCA is on the minus strand). VCF-style: chr16-89742813-C-T. GRCh37 (hg19) VCF-style: chr16-89809221-C-T.
Other names: c.3752G>A, p.Cys1251Tyr (NM_001286167.3); short protein forms C1251Y.
Identifiers: ClinVar variation 4870784 (VCV004870784.1).
Genomic context (GRCh38, chr16:89,742,813, plus strand): 5'-ACCAAGCTTGCGAGAAAATAAATCAGTAAAAGAATTTCCTATCTTGCCTCCTCTCTCTCG[C>T]AGTCCAGCTTCTTTAGCTGCTTCCTGATGTTTTCTTCCCTGACTTGTTGAATCGCAAAGT-3'
Protein context (NP_000126.2, residues 1241-1261): NIRKQLKKLD[Cys1251Tyr]EREELLVFLF